The following is an entry in ClinVar:

ClinVar aggregate classification (germline): Likely benign (1 of 4 stars; one submission).

gnomAD v4.1: 133 of 1,598,666 alleles (0.0083%); highest among the groups gnomAD compares: Admixed American, 0.23%; 1 homozygote.

Submission:

CeGaT Center for Human Genetics Tuebingen
Classification: Likely benign. Last evaluated: 2026-05-01. Review status: criteria provided, single submitter. Criteria: CeGaT Center For Human Genetics Tuebingen Variant Classification Criteria Version 2. Collection method: clinical testing. Allele origin: germline. Affected: yes. Observed: 1 variant allele.
Comment: DOT1L: BP4, BP7

NM_032482.3(DOT1L):c.3786G>A (p.Gln1262=)

Gene: DOT1L (DOT1 like histone lysine methyltransferase; plus strand). Cytogenetic location: 19p13.3.
Variant type: single nucleotide variant.
Coding change: c.3786G>A on transcript NM_032482.3 (MANE Select); coding-DNA position 3786, G replaced by A.
Protein change: p.Gln1262=; no amino-acid change (glutamine 1262 retained).
Molecular consequence: synonymous variant.
Genome position (GRCh38, 1-based): chr19:2,226,307, G>A. VCF-style: chr19-2226307-G-A. GRCh37 (hg19) VCF-style: chr19-2226306-G-A.
Other names: c.3786G>A, p.Gln1262= (NM_001411141.1).
Identifiers: ClinVar variation 4872514 (VCV004872514.2).